The following is an entry in ClinVar:

ClinVar aggregate classification (germline): Uncertain significance (1 of 4 stars; one submission).

Conditions:
Inborn genetic diseases. Identifiers: MedGen C0950123, MeSH D030342.

Submission:

Ambry Genetics
Classification: Uncertain significance for Inborn genetic diseases. Last evaluated: 2024-08-01. Review status: criteria provided, single submitter. Criteria: Ambry Variant Classification Scheme 2023. Collection method: clinical testing. Allele origin: germline.
Comment: The c.7288A>G (p.R2430G) alteration is located in exon 11 (coding exon 10) of the SRRM2 gene. This alteration results from a A to G substitution at nucleotide position 7288, causing the arginine (R) at amino acid position 2430 to be replaced by a glycine (G). This variant was not reported in population-based cohorts in the Genome Aggregation Database (gnomAD). This amino acid position is highly conserved in available vertebrate species. The in silico prediction for this alteration is inconclusive. Based on insufficient or conflicting evidence, the clinical significance of this alteration remains unclear.

NM_016333.4(SRRM2):c.7288A>G (p.Arg2430Gly)

Gene: SRRM2 (serine/arginine repetitive matrix 2; plus strand). Cytogenetic location: 16p13.3.
Variant type: single nucleotide variant.
Coding change: c.7288A>G on transcript NM_016333.4 (MANE Select); coding-DNA position 7288, A replaced by G.
Protein change: p.Arg2430Gly; replaces arginine 2430 with glycine.
Molecular consequence: missense variant.
Genome position (GRCh38, 1-based): chr16:2,767,816, A>G. VCF-style: chr16-2767816-A-G. GRCh37 (hg19) VCF-style: chr16-2817817-A-G.
Other names: short protein forms R2430G.
Identifiers: ClinVar variation 3322724 (VCV003322724.2).
Genomic context (GRCh38, chr16:2,767,816, plus strand): 5'-CCACCGTCTGCCCCAAGCCAATCTAGGATGACCTCTGAACGGGCTCCCTCCCCTTCCTCT[A>G]GAATGGGCCAGGCTCCTTCACAGTCTCTTCTCCCTCCAGCACAGGATCAGCCGAGGTCTC-3'
Protein context (NP_057417.3, residues 2420-2440): TSERAPSPSS[Arg2430Gly]MGQAPSQSLL